The following is an entry in ClinVar:

ClinVar aggregate classification (germline): Likely benign. Review status: criteria provided, single submitter (1 of 4 stars). 2 submissions from 2 submitters: Likely benign (1). 1 of the submissions does not count toward it. Last evaluated 2023-12-07.

Conditions:
NTRK2-related disorder. Also called: NTRK2-related condition.

Allele frequency attached by ClinVar (database versions not stated): gnomAD exomes 0.00001; gnomAD 0.00005; ESP Exome Variant Server 0.00008; TOPMed 0.00014.
gnomAD v4.1: 16 of 1,613,946 alleles (0.00099%); highest among the groups gnomAD compares: African/African-American, 0.016%; no homozygotes.

Submissions (2):

Blueprint Genetics
Classification: Likely benign. Last evaluated: 2023-12-07. Review status: criteria provided, single submitter. Criteria: ACMG Guidelines, 2015. Collection method: clinical testing. Allele origin: germline.

PreventionGenetics, part of Exact Sciences
Classification: Likely benign for NTRK2-related condition. Last evaluated: 2022-06-08. Review status: no assertion criteria provided. Collection method: clinical testing. Allele origin: germline. Not counted in ClinVar's aggregate classification.
Comment: This variant is classified as likely benign based on ACMG/AMP sequence variant interpretation guidelines (Richards et al. 2015 PMID: 25741868, with internal and published modifications).

NM_006180.6(NTRK2):c.*7T>A

Gene: NTRK2 (neurotrophic receptor tyrosine kinase 2; plus strand). Cytogenetic location: 9q21.33.
Variant type: single nucleotide variant.
Coding change: c.*7T>A on transcript NM_006180.6 (MANE Select); 7 bases downstream of the stop codon, T replaced by A.
Molecular consequence: 3 prime UTR variant.
Genome position (GRCh38, 1-based): chr9:85,021,444, T>A. VCF-style: chr9-85021444-T-A. GRCh37 (hg19) VCF-style: chr9-87636359-T-A.
Other names: c.*7T>A (NM_001018064.3, NM_001369532.1, NM_001369533.1 and 4 more transcripts).
Identifiers: ClinVar variation 3051177 (VCV003051177.3), dbSNP rs376816242, ClinGen allele CA195831038.